The following is an entry in ClinVar:

NM_033026.6(PCLO):c.14222+4A>G

Gene: PCLO (piccolo presynaptic cytomatrix protein; minus strand). Cytogenetic location: 7q21.11.
Variant type: single nucleotide variant.
Coding change: c.14222+4A>G on transcript NM_033026.6 (MANE Select); 4 bases into the intron after coding-DNA position 14222, A replaced by G.
Molecular consequence: intron variant.
Genome position (GRCh38, 1-based): chr7:82,838,214, T>C on the plus strand (A>G on the coding strand, the complement: PCLO is on the minus strand). VCF-style: chr7-82838214-T-C. GRCh37 (hg19) VCF-style: chr7-82467530-T-C.
Other names: c.14222+4A>G (NM_014510.3).
Identifiers: ClinVar variation 1902911 (VCV001902911.5), dbSNP rs1272679842, ClinGen allele CA842934413.

ClinVar aggregate classification (germline): Uncertain significance (1 of 4 stars; one submission).

Allele frequency attached by ClinVar (database versions not stated): TOPMed below 0.00001.

Submission:

Labcorp Genetics (formerly Invitae), Labcorp
Classification: Uncertain significance. Last evaluated: 2022-03-18. Review status: criteria provided, single submitter. Criteria: Invitae Variant Classification Sherloc (09022015). Collection method: clinical testing. Allele origin: germline.
Comment: This sequence change falls in intron 15 of the PCLO gene. It does not directly change the encoded amino acid sequence of the PCLO protein. It affects a nucleotide within the consensus splice site. This variant is not present in population databases (gnomAD no frequency). This variant has not been reported in the literature in individuals affected with PCLO-related conditions. Variants that disrupt the consensus splice site are a relatively common cause of aberrant splicing (PMID: 17576681, 9536098). Algorithms developed to predict the effect of sequence changes on RNA splicing suggest that this variant is not likely to affect RNA splicing. In summary, the available evidence is currently insufficient to determine the role of this variant in disease. Therefore, it has been classified as a Variant of Uncertain Significance.

Literature cited by the submitters: PubMed 17576681; PubMed 9536098.